The following is an entry in ClinVar:

ClinVar aggregate classification (germline): Uncertain significance (1 of 4 stars; one submission).

Conditions:
Neurofibromatosis, type 1 (NF1). Also called: VON RECKLINGHAUSEN DISEASE; NEUROFIBROMATOSIS, TYPE I, SOMATIC; Peripheral type neurofibromatosis; Neurofibromatosis, type I. Identifiers: Orphanet 636, MedGen C0027831, MONDO:0018975, OMIM 162200. Disease mechanism: loss of function.

Submission:

Labcorp Genetics (formerly Invitae), Labcorp
Classification: Uncertain significance for Neurofibromatosis, type 1. Last evaluated: 2017-10-17. Review status: criteria provided, single submitter. Criteria: Invitae Variant Classification Sherloc (09022015). Collection method: clinical testing. Allele origin: germline.
Comment: This variant is a gross duplication of the genomic region encompassing exons 1-35 of the NF1 gene. The 5' end of this event is unknown as it extends beyond the assayed region for this gene and therefore may encompass additional genes. The 3' boundary is likely confined to intron 35 of the NF1 gene. This variant has not been reported in the literature in individuals with NF1-related disease. Experimental studies and prediction algorithms are not available for this variant, and the functional significance of the duplicated amino acids is currently unknown. In summary, the exact genomic location of this variant is unknown and the impact of this duplication on NF1 protein function has not been established. Therefore, it has been classified as a Variant of Uncertain Significance.

NC_000017.10:g.(?_29422322)_(29592363_?)dup

Gene: NF1 (neurofibromin 1; plus strand). Cytogenetic location: 17q11.2.
Variant type: Duplication.
Identifiers: ClinVar variation 457501 (VCV000457501.2).